The following is an entry in ClinVar:

NM_031418.4(ANO3):c.373C>G (p.Arg125Gly)

Gene: ANO3 (anoctamin 3; plus strand). Cytogenetic location: 11p14.2.
Variant type: single nucleotide variant.
Coding change: c.373C>G on transcript NM_031418.4 (MANE Select); coding-DNA position 373, C replaced by G.
Protein change: p.Arg125Gly; replaces arginine 125 with glycine.
Molecular consequence: missense variant.
Genome position (GRCh38, 1-based): chr11:26,463,089, C>G. VCF-style: chr11-26463089-C-G. GRCh37 (hg19) VCF-style: chr11-26484636-C-G.
Other names: c.556C>G, p.Arg186Gly (NM_001313726.2); short protein forms R125G, R186G.
Identifiers: ClinVar variation 3346808 (VCV003346808.1).
Genomic context (GRCh38, chr11:26,463,089, plus strand): 5'-GCCCTAGGAAAAGATAAGGATTACACGGATGAATCAGAACACGCTACTTATGACCGATCT[C>G]GTCTCATTAATGACTTTGTTATCAAAGATAAATCTGAATTCAAGACAAAATTATCTAAGG-3'
Protein context (NP_113606.2, residues 115-135): ESEHATYDRS[Arg125Gly]LINDFVIKDK

ClinVar aggregate classification (germline): Uncertain significance (0 of 4 stars; one submission).

Conditions:
ANO3-related disorder. Also called: ANO3-related condition.

Submission:

PreventionGenetics, part of Exact Sciences
Classification: Uncertain significance for ANO3-related condition. Last evaluated: 2024-05-08. Review status: no assertion criteria provided. Collection method: clinical testing. Allele origin: germline.
Comment: The ANO3 c.373C>G variant is predicted to result in the amino acid substitution p.Arg125Gly. To our knowledge, this variant has not been reported in the literature or in a large population database, indicating this variant is rare. At this time, the clinical significance of this variant is uncertain due to the absence of conclusive functional and genetic evidence.